The following is an entry in ClinVar:

ClinVar aggregate classification (germline): Uncertain significance (1 of 4 stars; one submission).

Conditions:
Brachyolmia-amelogenesis imperfecta syndrome. Also called: PLATYSPONDYLY WITH AMELOGENESIS IMPERFECTA; Tooth agenesis, selective, 6; Dental anomalies and short stature. Identifiers: Orphanet 2899, MedGen C1832594, MONDO:0011018, OMIM 601216. Disease mechanism: loss of function.

Submission:

Labcorp Genetics (formerly Invitae), Labcorp
Classification: Uncertain significance for Brachyolmia-amelogenesis imperfecta syndrome. Last evaluated: 2023-10-23. Review status: criteria provided, single submitter. Criteria: Invitae Variant Classification Sherloc (09022015). Collection method: clinical testing. Allele origin: germline.
Comment: This sequence change replaces tyrosine, which is neutral and polar, with cysteine, which is neutral and slightly polar, at codon 1058 of the LTBP3 protein (p.Tyr1058Cys). This variant is not present in population databases (gnomAD no frequency). This variant has not been reported in the literature in individuals affected with LTBP3-related conditions. An algorithm developed to predict the effect of missense changes on protein structure and function (PolyPhen-2) suggests that this variant is likely to be disruptive. In summary, the available evidence is currently insufficient to determine the role of this variant in disease. Therefore, it has been classified as a Variant of Uncertain Significance.

NM_001130144.3(LTBP3):c.3173A>G (p.Tyr1058Cys)

Genes: LTBP3 (latent transforming growth factor beta binding protein 3; minus strand), LOC121832793 (Sharpr-MPRA regulatory region 4001; plus strand). Cytogenetic location: 11q13.1.
Variant type: single nucleotide variant.
Coding change: c.3173A>G on transcript NM_001130144.3 (MANE Select); coding-DNA position 3173, A replaced by G.
Protein change: p.Tyr1058Cys; replaces tyrosine 1058 with cysteine.
Molecular consequence: missense variant.
Genome position (GRCh38, 1-based): chr11:65,540,316, T>C on the plus strand (A>G on the coding strand, the complement: LTBP3 is on the minus strand). VCF-style: chr11-65540316-T-C. GRCh37 (hg19) VCF-style: chr11-65307787-T-C.
Other names: c.2822A>G, p.Tyr941Cys (NM_001164266.1); c.3173A>G, p.Tyr1058Cys (NM_021070.4); short protein forms Y941C, Y1058C.
Identifiers: ClinVar variation 2771237 (VCV002771237.3), dbSNP rs2496121945, ClinGen allele CA381267483.